The following is an entry in ClinVar:

NM_001267550.2(TTN):c.13702G>A (p.Glu4568Lys)

Gene: TTN (titin; minus strand). Cytogenetic location: 2q31.2.
Variant type: single nucleotide variant.
Coding change: c.13702G>A on transcript NM_001267550.2 (MANE Select); coding-DNA position 13702, G replaced by A.
Protein change: p.Glu4568Lys; replaces glutamic acid 4568 with lysine.
Molecular consequence: missense variant. On other transcripts: intron variant (1).
Genome position (GRCh38, 1-based): chr2:178,739,531, C>T on the plus strand (G>A on the coding strand, the complement: TTN is on the minus strand). VCF-style: chr2-178739531-C-T. GRCh37 (hg19) VCF-style: chr2-179604258-C-T.
Other names: c.12751G>A, p.Glu4251Lys (NM_001256850.1); c.12613G>A, p.Glu4205Lys (NM_003319.4); c.12988G>A, p.Glu4330Lys (NM_133432.3); c.13189G>A, p.Glu4397Lys (NM_133437.4); c.10361-1171G>A (NM_133378.4); c.13702G>A (NM_001267550.1); short protein forms E4205K, E4330K, E4568K, E4251K, E4397K.
Identifiers: ClinVar variation 4076626 (VCV004076626.1), dbSNP rs757204949.

ClinVar aggregate classification (germline): Uncertain significance (1 of 4 stars; one submission).

Allele frequency attached by ClinVar (database versions not stated): gnomAD 0.00001; gnomAD exomes 0.00001; ExAC 0.00002; TOPMed 0.00003.
gnomAD v4.1: 4 of 1,613,714 alleles (0.00025%); highest among the groups gnomAD compares: African/African-American, 0.0013%; no homozygotes.

Submission:

GeneDx
Classification: Uncertain significance. Last evaluated: 2025-02-18. Review status: criteria provided, single submitter. Criteria: GeneDx Variant Classification Process June 2021. Collection method: clinical testing. Allele origin: germline. Affected: yes.
Comment: Not observed at significant frequency in large population cohorts (gnomAD); Missense variant in a gene in which most reported pathogenic variants are truncating/loss of function; Has not been previously published as pathogenic or benign to our knowledge